The following is an entry in ClinVar:

ClinVar aggregate classification (germline): Likely benign (0 of 4 stars; one submission).

Conditions:
DDX3X-related disorder. Also called: DDX3X-related condition.

Submission:

PreventionGenetics, part of Exact Sciences
Classification: Likely benign for DDX3X-related condition. Last evaluated: 2019-06-25. Review status: no assertion criteria provided. Collection method: clinical testing. Allele origin: germline.
Comment: This variant is classified as likely benign based on ACMG/AMP sequence variant interpretation guidelines (Richards et al. 2015 PMID: 25741868, with internal and published modifications).

NM_001356.5(DDX3X):c.104-23TA[8]

Gene: DDX3X (DEAD-box helicase 3 X-linked; plus strand). Cytogenetic location: Xp11.4.
Variant type: Microsatellite.
Coding change: c.104-23TA[8] on transcript NM_001356.5 (MANE Select); eight copies in a row of the 2-base unit TA starting at c.104-23.
Molecular consequence: intron variant. On other transcripts: 5 prime UTR variant (1).
Genome position: GRCh38 VCF-style: chrX-41339012-T-TTA. GRCh37 (hg19) VCF-style: chrX-41198265-T-TTA.
Other names: c.-477AT[8] (NM_001363819.1); c.104-23TA[8] (NM_001193416.3); c.103+1548TA[8] (NM_001193417.3).
Identifiers: ClinVar variation 3033261 (VCV003033261.2), dbSNP rs200292033, ClinGen allele CA10389341.